The following is an entry in ClinVar:

ClinVar aggregate classification (germline): Uncertain significance. Review status: criteria provided, multiple submitters, no conflicts (2 of 4 stars). 2 submissions from 2 submitters: Uncertain significance (2). Last evaluated 2024-10-06.

Conditions:
Zellweger spectrum disorders (ZS). Also called: Zellweger Spectrum Disorder (ZSD); Zellweger syndrome; Zellweger Spectrum Disorder; Zellweger Spectrum. Identifiers: Orphanet 912, MedGen C0043459, MONDO:0019609.
Inborn genetic diseases. Identifiers: MedGen C0950123, MeSH D030342.

Allele frequency attached by ClinVar (database versions not stated): gnomAD exomes below 0.00001.
gnomAD v4.1: 1 of 1,556,424 alleles (0.000064%); highest among the groups gnomAD compares: Admixed American, 0.0021%; no homozygotes.

Submissions (2):

Ambry Genetics
Classification: Uncertain significance for Inborn genetic diseases. Last evaluated: 2024-10-06. Review status: criteria provided, single submitter. Criteria: Ambry Variant Classification Scheme 2023. Collection method: clinical testing. Allele origin: germline.

Labcorp Genetics (formerly Invitae), Labcorp
Classification: Uncertain significance for Zellweger spectrum disorders. Last evaluated: 2022-04-25. Review status: criteria provided, single submitter. Criteria: Invitae Variant Classification Sherloc (09022015). Collection method: clinical testing. Allele origin: germline.
Comment: This sequence change replaces glutamine, which is neutral and polar, with arginine, which is basic and polar, at codon 206 of the PEX1 protein (p.Gln206Arg). This variant is not present in population databases (gnomAD no frequency). This variant has not been reported in the literature in individuals affected with PEX1-related conditions. Algorithms developed to predict the effect of missense changes on protein structure and function (SIFT, PolyPhen-2, Align-GVGD) all suggest that this variant is likely to be tolerated. In summary, the available evidence is currently insufficient to determine the role of this variant in disease. Therefore, it has been classified as a Variant of Uncertain Significance.

NM_000466.3(PEX1):c.617A>G (p.Gln206Arg)

Gene: PEX1 (peroxisomal biogenesis factor 1; minus strand). Cytogenetic location: 7q21.2.
Variant type: single nucleotide variant.
Coding change: c.617A>G on transcript NM_000466.3 (MANE Select); coding-DNA position 617, A replaced by G.
Protein change: p.Gln206Arg; replaces glutamine 206 with arginine.
Molecular consequence: missense variant. On other transcripts: 5 prime UTR variant (1).
Genome position (GRCh38, 1-based): chr7:92,517,898, T>C on the plus strand (A>G on the coding strand, the complement: PEX1 is on the minus strand). VCF-style: chr7-92517898-T-C. GRCh37 (hg19) VCF-style: chr7-92147212-T-C.
Other names: c.617A>G, p.Gln206Arg (NM_001282677.2); c.-8A>G (NM_001282678.2); c.617A>G (NM_000466.2); short protein forms Q206R.
Identifiers: ClinVar variation 1948126 (VCV001948126.4), dbSNP rs2484703913, ClinGen allele CA368200886.